The following is an entry in ClinVar:

NM_000038.6(APC):c.934-509T>A

Gene: APC (APC regulator of WNT signaling pathway; plus strand). Cytogenetic location: 5q22.2.
Variant type: single nucleotide variant.
Coding change: c.934-509T>A on transcript NM_000038.6 (MANE Select); 509 bases into the intron before coding-DNA position 934, T replaced by A.
Molecular consequence: intron variant.
Genome position (GRCh38, 1-based): chr5:112,818,457, T>A. VCF-style: chr5-112818457-T-A. GRCh37 (hg19) VCF-style: chr5-112154154-T-A.
Other names: c.934-509T>A (NM_001354895.2, NM_001127510.3, NM_001354896.2); c.964-509T>A (NM_001354897.2); c.964-812T>A (NM_001354902.2); c.880-509T>A (NM_001127511.3); c.859-509T>A (NM_001354898.2); c.859-812T>A (NM_001354904.2); c.85-509T>A (NM_001354906.2); c.934-812T>A (NM_001354903.2); and 3 more.
Identifiers: ClinVar variation 83119 (VCV000083119.2), dbSNP rs76977827, ClinGen allele CA015912.
Genomic context (GRCh38, chr5:112,818,457, plus strand): 5'-GGCATTTTCCTTTTTATGACAAAATGTTTTTAAATTTATAATCGTATAATTTTAATAATA[T>A]TATCATCTGACGAGAATTAATGATTGCTGAGAATTAGTACTTAAAATTGTTGCAGAAATG-3'

ClinVar aggregate classification (germline): other (0 of 4 stars; one submission).

Conditions:
Familial colorectal cancer. Identifiers: MedGen CN280943, MONDO:0023113. Disease mechanism: loss of function.

Submission:

Systems Biology Platform Zhejiang California International NanoSystems Institute
Classification: other for Familial colorectal cancer. Review status: no assertion criteria provided. Collection method: not provided. Allele origin: unknown.
ClinVar note: Converted during submission from cancer to other.